The following is an entry in ClinVar:

ClinVar aggregate classification (germline): Uncertain significance. Review status: criteria provided, multiple submitters, no conflicts (2 of 4 stars). 2 submissions from 2 submitters: Uncertain significance (2). Last evaluated 2024-10-24.

Conditions:
Joubert syndrome. Also called: CEREBELLOPARENCHYMAL DISORDER IV; JOUBERT-BOLTSHAUSER SYNDROME; Familial aplasia of the vermis. Identifiers: Orphanet 475, MedGen C5979921, MONDO:0018772.
Joubert syndrome 3 (JBTS3). Also called: AHI1-related Ciliopathy. Identifiers: Orphanet 220493, MedGen C1837713, MONDO:0012078, OMIM 608629.

gnomAD v4.1: 4 of 1,603,440 alleles (0.00025%); highest among the groups gnomAD compares: Non-Finnish European, 0.00026%; no homozygotes.

Submissions (2):

Labcorp Genetics (formerly Invitae), Labcorp
Classification: Uncertain significance for Joubert syndrome. Last evaluated: 2024-10-24. Review status: criteria provided, single submitter. Criteria: Invitae Variant Classification Sherloc (09022015). Collection method: clinical testing. Allele origin: germline.
Comment: This sequence change replaces leucine, which is neutral and non-polar, with phenylalanine, which is neutral and non-polar, at codon 434 of the AHI1 protein (p.Leu434Phe). The frequency data for this variant in the population databases is considered unreliable, as metrics indicate poor data quality at this position in the gnomAD database. This variant has not been reported in the literature in individuals affected with AHI1-related conditions. ClinVar contains an entry for this variant (Variation ID: 1383933). Invitae Evidence Modeling of protein sequence and biophysical properties (such as structural, functional, and spatial information, amino acid conservation, physicochemical variation, residue mobility, and thermodynamic stability) has been performed for this missense variant. However, the output from this modeling did not meet the statistical confidence thresholds required to predict the impact of this variant on AHI1 protein function. In summary, the available evidence is currently insufficient to determine the role of this variant in disease. Therefore, it has been classified as a Variant of Uncertain Significance.

Fulgent Genetics
Classification: Uncertain significance for Joubert syndrome 3. Last evaluated: 2021-11-27. Review status: criteria provided, single submitter. Criteria: ACMG Guidelines, 2015. Collection method: clinical testing. Allele origin: unknown.

NM_001134831.2(AHI1):c.1300C>T (p.Leu434Phe)

Gene: AHI1 (Abelson helper integration site 1; minus strand). Cytogenetic location: 6q23.3.
Variant type: single nucleotide variant.
Coding change: c.1300C>T on transcript NM_001134831.2 (MANE Select); coding-DNA position 1300, C replaced by T.
Protein change: p.Leu434Phe; replaces leucine 434 with phenylalanine.
Molecular consequence: missense variant.
Genome position (GRCh38, 1-based): chr6:135,455,778, G>A on the plus strand (C>T on the coding strand, the complement: AHI1 is on the minus strand). VCF-style: chr6-135455778-G-A. GRCh37 (hg19) VCF-style: chr6-135776916-G-A.
Other names: c.1300C>T, p.Leu434Phe (NM_001134830.2, NM_001134832.2, NM_001350503.2 and 2 more transcripts); short protein forms L434F.
Identifiers: ClinVar variation 1383933 (VCV001383933.5), dbSNP rs761203456, ClinGen allele CA148141664.